The following is an entry in ClinVar:

ClinVar aggregate classification (germline): Uncertain significance (1 of 4 stars; one submission).

Conditions:
ALDOB-related disorder. Also called: ALDOB-related condition.

gnomAD v4.1: 18 of 1,614,064 alleles (0.0011%); highest among the groups gnomAD compares: East Asian, 0.025%; no homozygotes.

Submission:

PreventionGenetics, part of Exact Sciences
Classification: Uncertain significance for ALDOB-related condition. Last evaluated: 2024-10-29. Review status: criteria provided, single submitter. Criteria: ACMG Guidelines, 2015. Collection method: clinical testing. Allele origin: germline.
Comment: The ALDOB c.314T>G variant is predicted to result in the amino acid substitution p.Val105Gly. To our knowledge, this variant has not been reported in the literature. This variant is reported in 0.065% of alleles in individuals of East Asian descent in gnomAD. At this time, the clinical significance of this variant is uncertain due to the absence of conclusive functional and genetic evidence.

NM_000035.4(ALDOB):c.314T>G (p.Val105Gly)

Gene: ALDOB (aldolase, fructose-bisphosphate B; minus strand). Cytogenetic location: 9q31.1.
Variant type: single nucleotide variant.
Coding change: c.314T>G on transcript NM_000035.4 (MANE Select); coding-DNA position 314, T replaced by G.
Protein change: p.Val105Gly; replaces valine 105 with glycine.
Molecular consequence: missense variant.
Genome position (GRCh38, 1-based): chr9:101,429,765, A>C on the plus strand (T>G on the coding strand, the complement: ALDOB is on the minus strand). VCF-style: chr9-101429765-A-C. GRCh37 (hg19) VCF-style: chr9-104192047-A-C.
Other names: short protein forms V105G.
Identifiers: ClinVar variation 4978248 (VCV004978248.1).